The following is an entry in ClinVar:

ClinVar aggregate classification (germline): Uncertain significance (1 of 4 stars; one submission).

Conditions:
Autosomal dominant Parkinson disease 8. Also called: Parkinson disease 8, susceptibility to; LRRK2-Related Parkinson Disease; Parkinson disease 8. Identifiers: Orphanet 411602, MedGen C1846862, MONDO:0011764, OMIM 607060.

Allele frequency attached by ClinVar (database versions not stated): gnomAD exomes below 0.00001.
gnomAD v4.1: 2 of 1,612,438 alleles (0.00012%); highest among the groups gnomAD compares: East Asian, 0.0022%; no homozygotes.

Submission:

Labcorp Genetics (formerly Invitae), Labcorp
Classification: Uncertain significance for Autosomal dominant Parkinson disease 8. Last evaluated: 2021-07-20. Review status: criteria provided, single submitter. Criteria: Invitae Variant Classification Sherloc (09022015). Collection method: clinical testing. Allele origin: germline.
Comment: In summary, the available evidence is currently insufficient to determine the role of this variant in disease. Therefore, it has been classified as a Variant of Uncertain Significance. Algorithms developed to predict the effect of missense changes on protein structure and function are either unavailable or do not agree on the potential impact of this missense change (SIFT: "Deleterious"; PolyPhen-2: "Probably Damaging"; Align-GVGD: "Class C0"). This variant has not been reported in the literature in individuals affected with LRRK2-related conditions. This variant is not present in population databases (ExAC no frequency). This sequence change replaces arginine with glycine at codon 2456 of the LRRK2 protein (p.Arg2456Gly). The arginine residue is moderately conserved and there is a moderate physicochemical difference between arginine and glycine.

NM_198578.4(LRRK2):c.7366A>G (p.Arg2456Gly)

Gene: LRRK2 (leucine rich repeat kinase 2; plus strand). Cytogenetic location: 12q12.
Variant type: single nucleotide variant.
Coding change: c.7366A>G on transcript NM_198578.4 (MANE Select); coding-DNA position 7366, A replaced by G.
Protein change: p.Arg2456Gly; replaces arginine 2456 with glycine.
Molecular consequence: missense variant.
Genome position (GRCh38, 1-based): chr12:40,365,026, A>G. VCF-style: chr12-40365026-A-G. GRCh37 (hg19) VCF-style: chr12-40758828-A-G.
Other names: short protein forms R2456G.
Identifiers: ClinVar variation 1488301 (VCV001488301.8), dbSNP rs1447385518, ClinGen allele CA384415326.